The following is an entry in ClinVar:

ClinVar aggregate classification (germline): Uncertain significance. Review status: criteria provided, multiple submitters, no conflicts (2 of 4 stars). 2 submissions from 2 submitters: Uncertain significance (2). Last evaluated 2024-09-18.

Allele frequency attached by ClinVar (database versions not stated): gnomAD exomes below 0.00001.
gnomAD v4.1: 2 of 1,614,166 alleles (0.00012%); highest among the groups gnomAD compares: Non-Finnish European, 0.00017%; no homozygotes.

Submissions (2):

Blueprint Genetics
Classification: Uncertain significance. Last evaluated: 2024-09-18. Review status: criteria provided, single submitter. Criteria: ACMG Guidelines, 2015. Collection method: clinical testing. Allele origin: germline.

Labcorp Genetics (formerly Invitae), Labcorp
Classification: Uncertain significance. Last evaluated: 2023-12-11. Review status: criteria provided, single submitter. Criteria: Invitae Variant Classification Sherloc (09022015). Collection method: clinical testing. Allele origin: germline.
Comment: This sequence change replaces asparagine, which is neutral and polar, with serine, which is neutral and polar, at codon 159 of the RP1L1 protein (p.Asn159Ser). This variant is not present in population databases (gnomAD no frequency). This variant has not been reported in the literature in individuals affected with RP1L1-related conditions. Advanced modeling of protein sequence and biophysical properties (such as structural, functional, and spatial information, amino acid conservation, physicochemical variation, residue mobility, and thermodynamic stability) has been performed at Invitae for this missense variant, however the output from this modeling did not meet the statistical confidence thresholds required to predict the impact of this variant on RP1L1 protein function. In summary, the available evidence is currently insufficient to determine the role of this variant in disease. Therefore, it has been classified as a Variant of Uncertain Significance.

NM_178857.6(RP1L1):c.476A>G (p.Asn159Ser)

Gene: RP1L1 (RP1 like 1). Cytogenetic location: 8p23.1.
Variant type: single nucleotide variant.
Coding change: c.476A>G on transcript NM_178857.6 (MANE Select); coding-DNA position 476, A replaced by G.
Protein change: p.Asn159Ser; replaces asparagine 159 with serine.
Molecular consequence: missense variant.
Genome position (GRCh38, 1-based): chr8:10,622,726, T>C on the plus strand (A>G on the coding strand, the complement: RP1L1 is on the minus strand). VCF-style: chr8-10622726-T-C. GRCh37 (hg19) VCF-style: chr8-10480236-T-C.
Other names: short protein forms N159S.
Identifiers: ClinVar variation 2902409 (VCV002902409.4), dbSNP rs2486318250, ClinGen allele CA370300049.